The following is an entry in ClinVar:

NM_001040108.2(MLH3):c.4150C>G (p.Leu1384Val)

Gene: MLH3 (mutL homolog 3; minus strand). Cytogenetic location: 14q24.3.
Variant type: single nucleotide variant.
Coding change: c.4150C>G on transcript NM_001040108.2 (MANE Select); coding-DNA position 4150, C replaced by G.
Protein change: p.Leu1384Val; replaces leucine 1384 with valine.
Molecular consequence: missense variant.
Genome position (GRCh38, 1-based): chr14:75,018,921, G>C on the plus strand (C>G on the coding strand, the complement: MLH3 is on the minus strand). VCF-style: chr14-75018921-G-C. GRCh37 (hg19) VCF-style: chr14-75485624-G-C.
Other names: c.4078C>G, p.Leu1360Val (NM_014381.3); short protein forms L1384V, L1360V.
Identifiers: ClinVar variation 544282 (VCV000544282.15), dbSNP rs1025736417, ClinGen allele CA263630953.

ClinVar aggregate classification (germline): Uncertain significance. Review status: criteria provided, multiple submitters, no conflicts (2 of 4 stars). 3 submissions from 3 submitters: Uncertain significance (3). Last evaluated 2025-04-28.

Conditions:
MLH3-related disorder. Also called: MLH3-related condition.
Colorectal cancer, hereditary nonpolyposis, type 7. Identifiers: Orphanet 144, MedGen C1858380, MONDO:0013725, OMIM 614385.

Allele frequency attached by ClinVar (database versions not stated): TOPMed below 0.00001; gnomAD exomes 0.00001.
gnomAD v4.1: 3 of 1,614,166 alleles (0.00019%); highest among the groups gnomAD compares: Non-Finnish European, 0.00025%; no homozygotes.

Submissions (3):

Ambry Genetics
Classification: Uncertain significance. Last evaluated: 2025-04-28. Review status: criteria provided, single submitter. Criteria: Ambry Variant Classification Scheme 2023. Collection method: clinical testing. Allele origin: germline.
Comment: The p.L1384V variant (also known as c.4150C>G), located in coding exon 11 of the MLH3 gene, results from a C to G substitution at nucleotide position 4150. The leucine at codon 1384 is replaced by valine, an amino acid with highly similar properties. This amino acid position is highly conserved in available vertebrate species. In addition, this alteration is predicted to be deleterious by in silico analysis. The evidence for this gene-disease relationship is limited; therefore, the clinical significance of this alteration is unclear.

PreventionGenetics, part of Exact Sciences
Classification: Uncertain significance for MLH3-related condition. Last evaluated: 2023-05-17. Review status: criteria provided, single submitter. Criteria: ACMG Guidelines, 2015. Collection method: clinical testing. Allele origin: germline.
Comment: The MLH3 c.4150C>G variant is predicted to result in the amino acid substitution p.Leu1384Val. To our knowledge, this variant has not been reported in the literature or in a large population database, indicating this variant is rare. It is interpreted as uncertain significance in ClinVar. At this time, the clinical significance of this variant is uncertain due to the absence of conclusive functional and genetic evidence.

Labcorp Genetics (formerly Invitae), Labcorp
Classification: Uncertain significance for Colorectal cancer, hereditary nonpolyposis, type 7. Last evaluated: 2019-02-24. Review status: criteria provided, single submitter. Criteria: Invitae Variant Classification Sherloc (09022015). Collection method: clinical testing. Allele origin: germline.
Comment: In summary, the available evidence is currently insufficient to determine the role of this variant in disease. Therefore, it has been classified as a Variant of Uncertain Significance. Algorithms developed to predict the effect of missense changes on protein structure and function (SIFT, PolyPhen-2, Align-GVGD) all suggest that this variant is likely to be disruptive, but these predictions have not been confirmed by published functional studies and their clinical significance is uncertain. This variant has not been reported in the literature in individuals with MLH3-related disease. This variant is not present in population databases (ExAC no frequency). This sequence change replaces leucine with valine at codon 1384 of the MLH3 protein (p.Leu1384Val). The leucine residue is highly conserved and there is a small physicochemical difference between leucine and valine.